The following is an entry in ClinVar:

NM_001042432.2(CLN3):c.790+2T>C

Gene: CLN3 (CLN3 lysosomal/endosomal transmembrane protein, battenin; minus strand). Cytogenetic location: 16p12.1.
Variant type: single nucleotide variant.
Coding change: c.790+2T>C on transcript NM_001042432.2 (MANE Select); the canonical splice donor site of the intron after coding-DNA position 790, T replaced by C.
Molecular consequence: splice donor variant.
Genome position (GRCh38, 1-based): chr16:28,484,004, A>G on the plus strand (T>C on the coding strand, the complement: CLN3 is on the minus strand). VCF-style: chr16-28484004-A-G. GRCh37 (hg19) VCF-style: chr16-28495325-A-G.
Other names: c.556+2T>C (NM_001286109.2); c.718+2T>C (NM_001286104.2); c.490+2T>C (NM_001286105.2); c.628+2T>C (NM_001286110.2); c.790+2T>C (NM_000086.2).
Identifiers: ClinVar variation 852619 (VCV000852619.14), dbSNP rs1397197980, ClinGen allele CA395344683.
Genomic context (GRCh38, chr16:28,484,004, plus strand): 5'-AGAGGAAAAGGCCAAACCCAGAGAGAAAGAAAGTGACCTCTCTGAGGGTCTGTGTCTCCT[A>G]CCTGGCTTCGACTCCGGGGCCTCGGTTCTTATGAGGGGCTGCCGGGCTGCGCTCTCTGCT-3'

ClinVar aggregate classification (germline): Pathogenic/Likely pathogenic. Review status: criteria provided, multiple submitters, no conflicts (2 of 4 stars). 2 submissions from 2 submitters: Pathogenic (1); Likely pathogenic (1). Last evaluated 2019-12-15.

Conditions:
Neuronal ceroid lipofuscinosis 3 (CLN3). Identifiers: Orphanet 228346, MedGen C0751383, MONDO:0008767, OMIM 204200.
Neuronal ceroid lipofuscinosis. Also called: Neuronal Ceroid Lipofuscinoses. Identifiers: Orphanet 216, Orphanet 79263, MedGen C0027877, MONDO:0016295. Disease mechanism: loss of function.

Allele frequency attached by ClinVar (database versions not stated): gnomAD exomes below 0.00001.
gnomAD v4.1: 1 of 1,602,976 alleles (0.000062%); highest among the groups gnomAD compares: South Asian, 0.0011%; no homozygotes.

Submissions (2):

Labcorp Genetics (formerly Invitae), Labcorp
Classification: Likely pathogenic for Neuronal ceroid lipofuscinosis. Last evaluated: 2019-12-15. Review status: criteria provided, single submitter. Criteria: Invitae Variant Classification Sherloc (09022015). Collection method: clinical testing. Allele origin: germline.
Comment: This variant is not present in population databases (ExAC no frequency). This sequence change affects a donor splice site in intron 10 of the CLN3 gene. It is expected to disrupt RNA splicing and likely results in an absent or disrupted protein product. This variant has not been reported in the literature in individuals with CLN3-related conditions. In summary, the currently available evidence indicates that the variant is pathogenic, but additional data are needed to prove that conclusively. Therefore, this variant has been classified as Likely Pathogenic. Donor and acceptor splice site variants typically lead to a loss of protein function (PMID: 16199547), and loss-of-function variants in CLN3 are known to be pathogenic (PMID: 9311735, 28542676). Algorithms developed to predict the effect of sequence changes on RNA splicing suggest that this variant may disrupt the consensus splice site, but this prediction has not been confirmed by published transcriptional studies.

Revvity Omics, Revvity
Classification: Pathogenic for Neuronal ceroid lipofuscinosis 3. Last evaluated: 2019-09-13. Review status: criteria provided, single submitter. Criteria: ACMG Guidelines, 2015. Collection method: clinical testing. Allele origin: germline.

Literature cited by the submitters: PubMed 16199547 (cited by Labcorp Genetics (formerly Invitae), Labcorp); PubMed 9311735 (cited by Labcorp Genetics (formerly Invitae), Labcorp); PubMed 28542676 (cited by Labcorp Genetics (formerly Invitae), Labcorp).